The following is an entry in ClinVar:

ClinVar aggregate classification (germline): Pathogenic (1 of 4 stars; one submission).

Conditions:
Hereditary cancer-predisposing syndrome. Also called: Hereditary neoplastic syndrome; Tumor predisposition; Hereditary Cancer Syndrome; Neoplastic Syndromes, Hereditary. Identifiers: Orphanet 140162, MedGen C0027672, MeSH D009386, MONDO:0015356.

Submission:

Ambry Genetics
Classification: Pathogenic for Hereditary cancer-predisposing syndrome. Last evaluated: 2023-08-10. Review status: criteria provided, single submitter. Criteria: Ambry Variant Classification Scheme 2023. Collection method: clinical testing. Allele origin: germline.
Comment: The c.44_45dupTT pathogenic mutation, located in coding exon 1 of the BRCA2 gene, results from a duplication of TT at nucleotide positions 44 to 45, causing a translational frameshift with a predicted alternate stop codon (p.K16Lfs*10). This variant is considered to be rare based on population cohorts in the Genome Aggregation Database (gnomAD). This alteration is expected to result in loss of function by premature protein truncation or nonsense-mediated mRNA decay. As such, this alteration is interpreted as a disease-causing mutation.

NM_000059.4(BRCA2):c.44_45dup (p.Lys16fs)

Gene: BRCA2 (BRCA2 DNA repair associated; plus strand). Cytogenetic location: 13q13.1.
Variant type: Duplication.
Coding change: c.44_45dup on transcript NM_000059.4 (MANE Select); coding-DNA positions 44 to 45, 2 bases duplicated (TT; older notation c.44_45dupTT).
Protein change: p.Lys16fs; shifts the reading frame from lysine 16.
Molecular consequence: frameshift variant. On other transcripts: non-coding transcript variant (1), intron variant (1).
Genome position (GRCh38, 1-based): chr13:32,316,504-32,316,505, TT duplicated; duplicating any 2 consecutive bases within chr13:32,316,501-32,316,505 gives the same sequence; the c. name uses the placement nearest the transcript's 3' end. VCF-style (leftmost placement, unchanged base first): chr13-32316500-A-ATT. GRCh37 (hg19) VCF-style: chr13-32890637-A-ATT.
Other names: c.44_45dup, p.Lys16fs (NM_001406719.1, NM_001406720.1, NM_001406721.1); c.-303+837_-303+838dup (NM_001406722.1); c.44_45dupTT (NM_000059.3); short protein forms K16fs.
Identifiers: ClinVar variation 2586303 (VCV002586303.2), dbSNP rs2138698372, ClinGen allele CA2582341819.
Genomic context (GRCh38, chr13:32,316,500, plus strand): 5'-GGAGGAATATCGTAGGTAAAAATGCCTATTGGATCCAAAGAGAGGCCAACATTTTTTGAA[A>ATT]TTTTTAAGACACGCTGCAACAAAGCAGGTATTGACAAATTTTATATAACTTTATAAATTA-3'